The following is an entry in ClinVar:

NM_000407.5(GP1BB):c.129G>A (p.Gly43=)

Genes: GP1BB (glycoprotein Ib platelet subunit beta; plus strand), SEPT5-GP1BB (SEPT5-GP1BB readthrough; plus strand). Cytogenetic location: 22q11.21.
Variant type: single nucleotide variant.
Coding change: c.129G>A on transcript NM_000407.5 (MANE Select); coding-DNA position 129, G replaced by A.
Protein change: p.Gly43=; no amino-acid change (glycine 43 retained).
Molecular consequence: synonymous variant. On other transcripts: non-coding transcript variant (2).
Genome position (GRCh38, 1-based): chr22:19,723,972, G>A. VCF-style: chr22-19723972-G-A. GRCh37 (hg19) VCF-style: chr22-19711495-G-A.
Identifiers: ClinVar variation 4946928 (VCV004946928.2).

ClinVar aggregate classification (germline): Likely benign. Review status: criteria provided, multiple submitters, no conflicts (2 of 4 stars). 2 submissions from 2 submitters: Likely benign (2). Last evaluated 2025-07-31.

Conditions:
GP1BB-related disorder. Also called: GP1BB-related condition.

Submissions (2):

PreventionGenetics, part of Exact Sciences
Classification: Likely benign for GP1BB-related condition. Last evaluated: 2025-07-31. Review status: criteria provided, single submitter. Criteria: ACMG Guidelines, 2015. Collection method: clinical testing. Allele origin: germline.
Comment: This variant is classified as likely benign based on ACMG/AMP sequence variant interpretation guidelines (Richards et al. 2015 PMID: 25741868, with internal and published modifications).

Blueprint Genetics
Classification: Likely benign. Last evaluated: 2023-05-09. Review status: criteria provided, single submitter. Criteria: ACMG Guidelines, 2015. Collection method: clinical testing. Allele origin: germline.